The following is an entry in ClinVar:

GRCh38/hg38 Xq21.1(chrX:77799457-77890125)x3

Gene: MAGT1 (magnesium transporter 1; minus strand). Cytogenetic location: Xq21.1.
Variant type: copy number gain.
Change: copy number 3 of chrX:77,799,457-77,890,125 (90.7 kb, GRCh38 coordinates, 1-based), cytogenetic band Xq21.1.
Identifiers: ClinVar variation 153204 (VCV000153204.3).

ClinVar aggregate classification (germline): conflicting data from submitters (0 of 4 stars; one submission).

Submission:

ISCA site 1
Classification: conflicting data from submitters. Last evaluated: 2015-02-16. Review status: no assertion criteria provided. Collection method: clinical testing. Allele origin: paternal, unknown. Affected: yes. Observed: 5 variant alleles. Clinical features observed: Muscular hypotonia (HP:0001252), Seizures (HP:0001250), Micromelia (HP:0005753), Small hand (HP:0200055), Global developmental delay (HP:0001263), Failure to thrive (HP:0001508).
Comment: Uncertain significance(3), Likely benign (2)

Copy number variation identified through the course of routine clinical cytogenomic testing in postnatal populations, with clinical assertions as classified by the original submitter. For data from the original published study, Kaminsky, et al. 2011 (PubMed 21844811), please see nstd101.